The following is an entry in ClinVar:

NM_001282597.3(CTNNA2):c.358C>T (p.Arg120Cys)

Gene: CTNNA2 (catenin alpha 2; plus strand). Cytogenetic location: 2p12.
Variant type: single nucleotide variant.
Coding change: c.358C>T on transcript NM_001282597.3 (MANE Select); coding-DNA position 358, C replaced by T.
Protein change: p.Arg120Cys; replaces arginine 120 with cysteine.
Molecular consequence: missense variant.
Genome position (GRCh38, 1-based): chr2:79,858,072, C>T. VCF-style: chr2-79858072-C-T. GRCh37 (hg19) VCF-style: chr2-80085198-C-T.
Other names: c.358C>T, p.Arg120Cys (NM_001164883.2, NM_001399737.1, NM_004389.4); c.460C>T, p.Arg154Cys (NM_001282598.2); short protein forms R120C, R154C.
Identifiers: ClinVar variation 4869499 (VCV004869499.1).

ClinVar aggregate classification (germline): Uncertain significance (1 of 4 stars; one submission).

Conditions:
Inborn genetic diseases. Identifiers: MedGen C0950123, MeSH D030342.

gnomAD v4.1: 23 of 1,614,118 alleles (0.0014%); highest among the groups gnomAD compares: Middle Eastern, 0.016%; no homozygotes.

Submission:

Ambry Genetics
Classification: Uncertain significance for Inborn genetic diseases. Last evaluated: 2026-04-20. Review status: criteria provided, single submitter. Criteria: Ambry Variant Classification Scheme 2023. Collection method: clinical testing. Allele origin: germline.
Comment: The c.358C>T (p.R120C) alteration is located in exon 4 (coding exon 3) of the CTNNA2 gene. This alteration results from a C to T substitution at nucleotide position 358, causing the arginine (R) at amino acid position 120 to be replaced by a cysteine (C). Based on data from gnomAD, the T allele has an overall frequency of <0.001% (1/249502) total alleles studied. The highest observed frequency was 0.001% (1/113224) of European (non-Finnish) alleles. Based on insufficient or conflicting evidence, the clinical significance of this alteration remains unclear.